The following is an entry in ClinVar:

ClinVar aggregate classification (germline): Pathogenic (1 of 4 stars; one submission).

Submission:

ISCA site 4
Classification: Pathogenic. Last evaluated: 2011-08-12. Review status: criteria provided, single submitter. Criteria: Kaminsky et al. (Genet Med. 2011). Collection method: clinical testing. Allele origin: unknown. Affected: yes. Observed: 1 variant allele.
Comment: Copy number variation identified through the course of routine clinical cytogenomic testing in postnatal populations. Clinical assertions have been curated as described in Kaminsky et al. 2011.

GRCh38/hg38 7q11.21-11.22(chr7:62570287-67823956)x3

Genes: ASL (argininosuccinate lyase; plus strand), CICP24 (capicua transcriptional repressor pseudogene 24; minus strand), CRCP (CGRP receptor component; plus strand), ERV3-1 (endogenous retrovirus group 3 member 1, envelope; minus strand), ERV3-1-ZNF117 (ERV3-1-ZNF117 readthrough; minus strand) and 111 more. Cytogenetic location: 7q11.21-11.22.
Variant type: copy number gain.
Change: copy number 3 (three copies instead of two) of chr7:62,570,287-67,823,956 (5.25 Mb, GRCh38 coordinates, 1-based), cytogenetic band 7q11.21-11.22.
Identifiers: ClinVar variation 57078 (VCV000057078.1).